The following is an entry in ClinVar:

ClinVar aggregate classification (germline): Pathogenic (1 of 4 stars; one submission).

Submission:

Labcorp Genetics (formerly Invitae), Labcorp
Classification: Pathogenic. Last evaluated: 2023-11-10. Review status: criteria provided, single submitter. Criteria: Invitae Variant Classification Sherloc (09022015). Collection method: clinical testing. Allele origin: germline.
Comment: This sequence change creates a premature translational stop signal (p.Gln749*) in the LAMA3 gene. It is expected to result in an absent or disrupted protein product. Loss-of-function variants in LAMA3 are known to be pathogenic (PMID: 10366601, 11810295, 12915477, 16473856, 17362460, 22434185, 23869449, 27827380, 28087116). This variant is not present in population databases (gnomAD no frequency). This variant has not been reported in the literature in individuals affected with LAMA3-related conditions. For these reasons, this variant has been classified as Pathogenic.

Literature cited by the submitters: PubMed 10366601; PubMed 11810295; PubMed 12915477; PubMed 16473856; PubMed 17362460; PubMed 22434185; PubMed 23869449; PubMed 27827380; PubMed 28087116.

NM_198129.4(LAMA3):c.7072C>T (p.Gln2358Ter)

Gene: LAMA3 (laminin subunit alpha 3; plus strand). Cytogenetic location: 18q11.2.
Variant type: single nucleotide variant.
Coding change: c.7072C>T on transcript NM_198129.4 (MANE Select); coding-DNA position 7072, C replaced by T.
Protein change: p.Gln2358Ter; replaces glutamine 2358 with a stop codon.
Molecular consequence: nonsense.
Genome position (GRCh38, 1-based): chr18:23,909,209, C>T. VCF-style: chr18-23909209-C-T. GRCh37 (hg19) VCF-style: chr18-21489173-C-T.
Other names: c.2245C>T, p.Gln749Ter (NM_000227.6); c.6904C>T, p.Gln2302Ter (NM_001127717.4); c.2077C>T, p.Gln693Ter (NM_001127718.4); short protein forms Q2302*, Q2358*, Q693*, Q749*.
Identifiers: ClinVar variation 2979673 (VCV002979673.3), dbSNP rs964653085, ClinGen allele CA297105715.